The following is an entry in ClinVar:

ClinVar aggregate classification (germline): Uncertain significance. Review status: criteria provided, multiple submitters, no conflicts (2 of 4 stars). 2 submissions from 2 submitters: Uncertain significance (2). Last evaluated 2024-12-02.

Allele frequency attached by ClinVar (database versions not stated): gnomAD exomes below 0.00001; gnomAD 0.00001; TOPMed 0.00001.
gnomAD v4.1: 3 of 1,613,842 alleles (0.00019%); highest among the groups gnomAD compares: Admixed American, 0.0017%; no homozygotes.

Submissions (2):

Labcorp Genetics (formerly Invitae), Labcorp
Classification: Uncertain significance. Last evaluated: 2024-12-02. Review status: criteria provided, single submitter. Criteria: Invitae Variant Classification Sherloc (09022015). Collection method: clinical testing. Allele origin: germline.
Comment: This sequence change replaces isoleucine, which is neutral and non-polar, with valine, which is neutral and non-polar, at codon 90 of the ABHD12 protein (p.Ile90Val). This variant is present in population databases (no rsID available, gnomAD 0.003%). This variant has not been reported in the literature in individuals affected with ABHD12-related conditions. ClinVar contains an entry for this variant (Variation ID: 1045706). Invitae Evidence Modeling of protein sequence and biophysical properties (such as structural, functional, and spatial information, amino acid conservation, physicochemical variation, residue mobility, and thermodynamic stability) indicates that this missense variant is not expected to disrupt ABHD12 protein function with a negative predictive value of 80%. In summary, the available evidence is currently insufficient to determine the role of this variant in disease. Therefore, it has been classified as a Variant of Uncertain Significance.

GeneDx
Classification: Uncertain significance. Last evaluated: 2024-10-23. Review status: criteria provided, single submitter. Criteria: GeneDx Variant Classification Process June 2021. Collection method: clinical testing. Allele origin: germline. Affected: yes.
Comment: Not observed at significant frequency in large population cohorts (gnomAD); In silico analysis indicates that this missense variant does not alter protein structure/function; Has not been previously published as pathogenic or benign to our knowledge

NM_001042472.3(ABHD12):c.268A>G (p.Ile90Val)

Gene: ABHD12 (abhydrolase domain containing 12, lysophospholipase; minus strand). Cytogenetic location: 20p11.21.
Variant type: single nucleotide variant.
Coding change: c.268A>G on transcript NM_001042472.3 (MANE Select); coding-DNA position 268, A replaced by G.
Protein change: p.Ile90Val; replaces isoleucine 90 with valine.
Molecular consequence: missense variant.
Genome position (GRCh38, 1-based): chr20:25,339,275, T>C on the plus strand (A>G on the coding strand, the complement: ABHD12 is on the minus strand). VCF-style: chr20-25339275-T-C. GRCh37 (hg19) VCF-style: chr20-25319911-T-C.
Other names: c.268A>G, p.Ile90Val (NM_015600.5); c.268A>G (NM_001042472.2); short protein forms I90V.
Identifiers: ClinVar variation 1045706 (VCV001045706.10), dbSNP rs760208830, ClinGen allele CA408445725.